The following is an entry in ClinVar:

ClinVar aggregate classification (germline): Likely pathogenic (1 of 4 stars; one submission).

Conditions:
Neurodevelopmental disorder with or without anomalies of the brain, eye, or heart (NEDBEH). Identifiers: Orphanet 494344, MedGen C5567477, MONDO:0014857, OMIM 616975.

Submission:

Daryl Scott Lab, Baylor College of Medicine
Classification: Likely pathogenic for Neurodevelopmental disorder with or without anomalies of the brain, eye, or heart. Last evaluated: 2025-08-05. Review status: criteria provided, single submitter. Criteria: ACMG Guidelines, 2015. Collection method: clinical testing. Allele origin: de novo. Affected: yes. Observed: 1 heterozygote.
Comment: PVS1_supporting, PS2, PM2

NM_001042681.2(RERE):c.1561G>T (p.Gly521Ter)

Gene: RERE (arginine-glutamic acid dipeptide repeats; minus strand). Cytogenetic location: 1p36.23.
Variant type: single nucleotide variant.
Coding change: c.1561G>T on transcript NM_001042681.2 (MANE Select); coding-DNA position 1561, G replaced by T.
Protein change: p.Gly521Ter; replaces glycine 521 with a stop codon.
Molecular consequence: nonsense. On other transcripts: 5 prime UTR variant (1).
Genome position (GRCh38, 1-based): chr1:8,364,235, C>A on the plus strand (G>T on the coding strand, the complement: RERE is on the minus strand). VCF-style: chr1-8364235-C-A. GRCh37 (hg19) VCF-style: chr1-8424295-C-A.
Other names: c.-102G>T (NM_001042682.2); c.1561G>T, p.Gly521Ter (NM_012102.4); short protein forms G521*.
Identifiers: ClinVar variation 4075322 (VCV004075322.1).